The following is an entry in ClinVar:

NM_004360.5(CDH1):c.455_465del (p.Gln152fs)

Gene: CDH1 (cadherin 1; plus strand). Cytogenetic location: 16q22.1.
Variant type: Deletion.
Coding change: c.455_465del on transcript NM_004360.5 (MANE Select); coding-DNA positions 455 to 465, 11 bases deleted (AGAAGAGAGAC).
Protein change: p.Gln152fs; shifts the reading frame from glutamine 152.
Molecular consequence: frameshift variant. On other transcripts: 5 prime UTR variant (2).
Genome position (GRCh38, 1-based): chr16:68,808,491-68,808,501, AGAAGAGAGAC deleted; deleting any 11 consecutive bases within chr16:68,808,487-68,808,501 gives the same sequence; the c. name uses the placement nearest the transcript's 3' end. VCF-style (leftmost placement, unchanged base first): chr16-68808486-AAGACAGAAGAG-A. GRCh37 (hg19) VCF-style: chr16-68842389-AAGACAGAAGAG-A.
Other names: c.455_465del (LRG_301t1, NM_004360.4); c.455_465del, p.Gln152fs (NM_001317184.2); c.-1161_-1151del (NM_001317185.2); c.-1365_-1355del (NM_001317186.2); short protein forms Q152fs.
Identifiers: ClinVar variation 491537 (VCV000491537.8), dbSNP rs1555515210, ClinGen allele CA658683945.
Genomic context (GRCh38, chr16:68,808,486, plus strand): 5'-CTCCGTTTCTGGAATCCAAGCAGAATTGCTCACATTTCCCAACTCCTCTCCTGGCCTCAG[AAGACAGAAGAG>A]AGACTGGGTTATTCCTCCCATCAGCTGCCCAGAAAATGAAAAAGGCCCATTTCCTAAAAA-3'

ClinVar aggregate classification (germline): Pathogenic. Review status: reviewed by expert panel (3 of 4 stars). 4 submissions from 4 submitters: Pathogenic (1). 3 of the submissions do not count toward it. Last evaluated 2023-08-04.

Conditions:
CDH1-related diffuse gastric and lobular breast cancer syndrome. Also called: CDH1-related diffuse gastric and lobular breast cancer. Identifiers: MedGen CN311521, MONDO:0100488.
Hereditary cancer-predisposing syndrome. Also called: Tumor predisposition; Neoplastic Syndromes, Hereditary; Hereditary Cancer Syndrome; Hereditary neoplastic syndrome. Identifiers: Orphanet 140162, MedGen C0027672, MeSH D009386, MONDO:0015356.
Hereditary diffuse gastric adenocarcinoma (HDGC). Also called: DIFFUSE GASTRIC AND LOBULAR BREAST CANCER SYNDROME. Identifiers: Orphanet 26106, MedGen C1708349, MONDO:0007648, OMIM 137215.

Submissions (4):

Clingen Gastric Cancer Variant Curation Expert Panel
Classification: Pathogenic for CDH1-related diffuse gastric and lobular breast cancer syndrome. Last evaluated: 2023-08-04. Review status: reviewed by expert panel. Criteria: ClinGen CDH1 ACMG Specifications V3.1. Collection method: curation. Allele origin: germline. Inheritance: Autosomal dominant inheritance.
Comment: The c.455_465delAGAAGAGAGAC p.(Gln152Leufs) variant is predicted to result in a premature stop codon that leads to nonsense mediate decay (PVS1 and PM5_supporting). The variant is absent in the gnomAD cohort (PM2_supporting). Therefore, this variant meets criteria to be classified as pathogenic based on the ACMG/AMP criteria applied as specified by the CDH1 Variant Curation Expert Panel (CDH1 VCEP specifications version 3.1): PVS1, PM2_supporting, PM5_supporting.

Myriad Genetics, Inc.
Classification: Pathogenic for Hereditary diffuse gastric adenocarcinoma. Last evaluated: 2023-06-09. Review status: criteria provided, single submitter. Criteria: Myriad Autosomal Dominant, Autosomal Recessive and X-Linked Classification Criteria (2023). Collection method: clinical testing. Allele origin: unknown. Not counted in ClinVar's aggregate classification.
Comment: This variant is considered pathogenic. This variant creates a frameshift predicted to result in premature protein truncation.

Color Diagnostics, LLC DBA Color Health
Classification: Pathogenic for Hereditary cancer-predisposing syndrome. Last evaluated: 2020-04-17. Review status: criteria provided, single submitter. Criteria: ACMG Guidelines, 2015. Collection method: clinical testing. Allele origin: germline. Not counted in ClinVar's aggregate classification.
Comment: This variant deletes 11 nucleotides in exon 4 of the CDH1 gene, creating a frameshift and premature translation stop signal. This variant is expected to result in an absent or non-functional protein product. To our knowledge, this variant has not been reported in individuals affected with hereditary cancer in the literature. This variant has not been identified in the general population by the Genome Aggregation Database (gnomAD). Loss of CDH1 function is a known mechanism of disease. Based on the available evidence, this variant is classified as Pathogenic.

GeneDx
Classification: Likely pathogenic. Last evaluated: 2017-07-10. Review status: criteria provided, single submitter. Criteria: GeneDx Variant Classification (06012015). Collection method: clinical testing. Allele origin: germline. Affected: yes. Not counted in ClinVar's aggregate classification.
Comment: This deletion of 11 nucleotides in CDH1 is denoted c.455_465del11 at the cDNA level and p.Gln152LeufsX12 (Q152LfsX12) at the protein level. The surrounding sequence is AGAC[del11]TGGG. The deletion causes a frameshift which changes a Glutamine to a Leucine at codon 152, and creates a premature stop codon at position 12 of the new reading frame. Although this variant has not, to our knowledge, been reported in the literature, it is predicted to cause loss of normal protein function through either protein truncation or nonsense-mediated mRNA decay. Based on the currently available information, we consider this deletion to be a likely pathogenic variant.